The following is an entry in ClinVar:

ClinVar aggregate classification (germline): Uncertain significance (1 of 4 stars; one submission).

Conditions:
Autosomal recessive ataxia, Beauce type. Also called: Spinocerebellar ataxia, autosomal recessive 8; SYNE1 Deficiency; ATAXIA, RECESSIVE, OF BEAUCE; SYNE1-Related Autosomal Recessive Cerebellar Ataxia. Identifiers: Orphanet 88644, MedGen C1853116, MONDO:0012549, OMIM 610743.
Arthrogryposis multiplex congenita 3, myogenic type. Also called: ARTHROGRYPOSIS MULTIPLEX CONGENITA, MYOGENIC TYPE. Identifiers: MedGen C5193121, MONDO:0032778, OMIM 618484.
Emery-Dreifuss muscular dystrophy 4, autosomal dominant (EDMD4). Also called: EMERY-DREIFUSS MUSCULAR DYSTROPHY 4 WITH VARIABLE FEATURES. Identifiers: Orphanet 261, MedGen C2751807, MONDO:0013071, OMIM 612998.

Submission:

Juno Genomics, Hangzhou Juno Genomics, Inc
Classification: Uncertain significance for Arthrogryposis multiplex congenita 3, myogenic type; Emery-Dreifuss muscular dystrophy 4, autosomal dominant; Autosomal recessive ataxia, Beauce type. Review status: criteria provided, single submitter. Criteria: ACMG Guidelines, 2015. Collection method: clinical testing. Allele origin: germline.
Comment: Absent from controls (or at extremely low frequency if recessive) in Genome Aggregation Database.;Missense variant in a gene that has a low rate of benign missense variation.

NM_182961.4(SYNE1):c.22222C>T (p.Pro7408Ser)

Gene: SYNE1 (spectrin repeat containing nuclear envelope protein 1; minus strand). Cytogenetic location: 6q25.2.
Variant type: single nucleotide variant.
Coding change: c.22222C>T on transcript NM_182961.4 (MANE Select); coding-DNA position 22222, C replaced by T.
Protein change: p.Pro7408Ser; replaces proline 7408 with serine.
Molecular consequence: missense variant.
Genome position (GRCh38, 1-based): chr6:152,215,030, G>A on the plus strand (C>T on the coding strand, the complement: SYNE1 is on the minus strand). VCF-style: chr6-152215030-G-A. GRCh37 (hg19) VCF-style: chr6-152536165-G-A.
Other names: c.22009C>T, p.Pro7337Ser (NM_033071.5); short protein forms P7337S, P7408S.
Identifiers: ClinVar variation 5006980 (VCV005006980.2).
Genomic context (GRCh38, chr6:152,215,030, plus strand): 5'-TGATTTCCTTATCATTCAAGGGTAACCTATATCCAAGCTCATTTAGACGGTCTAAATCTG[G>A]AGCCATGCTGCTGAATTTTAACATCTGTCCCTAGAAGGAAGATTTAAAAGTAGGTTTAGC-3'
Protein context (NP_892006.3, residues 7398-7418): GQMLKFSSMA[Pro7408Ser]DLDRLNELGY